The following is an entry in ClinVar:

NM_001430.5(EPAS1):c.2227C>T (p.Leu743Phe)

Gene: EPAS1 (endothelial PAS domain protein 1; plus strand). Cytogenetic location: 2p21.
Variant type: single nucleotide variant.
Coding change: c.2227C>T on transcript NM_001430.5 (MANE Select); coding-DNA position 2227, C replaced by T.
Protein change: p.Leu743Phe; replaces leucine 743 with phenylalanine.
Molecular consequence: missense variant.
Genome position (GRCh38, 1-based): chr2:46,382,029, C>T. VCF-style: chr2-46382029-C-T. GRCh37 (hg19) VCF-style: chr2-46609168-C-T.
Other names: short protein forms L743F.
Identifiers: ClinVar variation 1788013 (VCV001788013.2), dbSNP rs1684907905, ClinGen allele CA346705815.
Genomic context (GRCh38, chr2:46,382,029, plus strand): 5'-TCCCAGGGGGACCCACCTGGTGGCAGCACCTCACATTTGATGTGGAAACGGATGAAGAAC[C>T]TCAGGGGTGGGAGCTGCCCTTTGATGCCGGACAAGCCACTGAGCGCAAATGTACCCAATG-3'
Protein context (NP_001421.2, residues 733-753): SHLMWKRMKN[Leu743Phe]RGGSCPLMPD

ClinVar aggregate classification (germline): Uncertain significance (1 of 4 stars; one submission).

Conditions:
Inborn genetic diseases. Identifiers: MedGen C0950123, MeSH D030342.

Allele frequency attached by ClinVar (database versions not stated): gnomAD exomes below 0.00001.
gnomAD v4.1: 2 of 1,614,090 alleles (0.00012%); highest among the groups gnomAD compares: South Asian, 0.0011%; no homozygotes.

Submission:

Ambry Genetics
Classification: Uncertain significance for Inborn genetic diseases. Last evaluated: 2021-09-04. Review status: criteria provided, single submitter. Criteria: Ambry Variant Classification Scheme 2023. Collection method: clinical testing. Allele origin: germline.
Comment: The p.L743F variant (also known as c.2227C>T), located in coding exon 14 of the EPAS1 gene, results from a C to T substitution at nucleotide position 2227. The leucine at codon 743 is replaced by phenylalanine, an amino acid with highly similar properties. This amino acid position is conserved. In addition, this alteration is predicted to be tolerated by in silico analysis. Since supporting evidence is limited at this time, the clinical significance of this alteration remains unclear.